The following is an entry in ClinVar:

ClinVar aggregate classification (germline): Uncertain significance (1 of 4 stars; one submission).

Submission:

Labcorp Genetics (formerly Invitae), Labcorp
Classification: Uncertain significance. Last evaluated: 2026-01-20. Review status: criteria provided, single submitter. Criteria: Invitae Variant Classification Sherloc (09022015). Collection method: clinical testing. Allele origin: germline.
Comment: This sequence change replaces arginine, which is basic and polar, with leucine, which is neutral and non-polar, at codon 352 of the CEACAM16 protein (p.Arg352Leu). This variant is present in population databases (rs781099923, gnomAD 0.009%). This variant has not been reported in the literature in individuals affected with CEACAM16-related conditions. Invitae Evidence Modeling of protein sequence and biophysical properties (such as structural, functional, and spatial information, amino acid conservation, physicochemical variation, residue mobility, and thermodynamic stability) indicates that this missense variant is not expected to disrupt CEACAM16 protein function with a negative predictive value of 80%. In summary, the available evidence is currently insufficient to determine the role of this variant in disease. Therefore, it has been classified as a Variant of Uncertain Significance.

NM_001039213.4(CEACAM16):c.1055G>T (p.Arg352Leu)

Genes: CEACAM16 (CEA cell adhesion molecule 16, tectorial membrane component; plus strand), CEACAM16-AS1 (CEACAM16, CEACAM19 and PVR antisense RNA 1; minus strand). Cytogenetic location: 19q13.32.
Variant type: single nucleotide variant.
Coding change: c.1055G>T on transcript NM_001039213.4 (MANE Select); coding-DNA position 1055, G replaced by T.
Protein change: p.Arg352Leu; replaces arginine 352 with leucine.
Molecular consequence: missense variant.
Genome position (GRCh38, 1-based): chr19:44,707,975, G>T. VCF-style: chr19-44707975-G-T. GRCh37 (hg19) VCF-style: chr19-45211247-G-T.
Other names: short protein forms R352L.
Identifiers: ClinVar variation 4706846 (VCV004706846.1).